The following is an entry in ClinVar:

NM_001184.4(ATR):c.6274A>G (p.Thr2092Ala)

Gene: ATR (ATR checkpoint kinase; minus strand). Cytogenetic location: 3q23.
Variant type: single nucleotide variant.
Coding change: c.6274A>G on transcript NM_001184.4 (MANE Select); coding-DNA position 6274, A replaced by G.
Protein change: p.Thr2092Ala; replaces threonine 2092 with alanine.
Molecular consequence: missense variant.
Genome position (GRCh38, 1-based): chr3:142,470,131, T>C on the plus strand (A>G on the coding strand, the complement: ATR is on the minus strand). VCF-style: chr3-142470131-T-C. GRCh37 (hg19) VCF-style: chr3-142188973-T-C.
Other names: c.6082A>G, p.Thr2028Ala (NM_001354579.2); short protein forms T2028A, T2092A.
Identifiers: ClinVar variation 2453606 (VCV002453606.2), dbSNP rs574382204, ClinGen allele CA2649374.

ClinVar aggregate classification (germline): Uncertain significance (1 of 4 stars; one submission).

Conditions:
Inborn genetic diseases. Identifiers: MedGen C0950123, MeSH D030342.

Allele frequency attached by ClinVar (database versions not stated): ExAC 0.00001; gnomAD 0.00001; 1000 Genomes Project 30x 0.00016; 1000 Genomes Project 0.00020.
gnomAD v4.1: 1 of 1,611,444 alleles (0.000062%); highest among the groups gnomAD compares: African/African-American, 0.0013%; no homozygotes.

Submission:

Ambry Genetics
Classification: Uncertain significance for Inborn genetic diseases. Last evaluated: 2023-03-08. Review status: criteria provided, single submitter. Criteria: Ambry Variant Classification Scheme 2023. Collection method: clinical testing. Allele origin: germline.
Comment: The p.T2092A variant (also known as c.6274A>G), located in coding exon 37 of the ATR gene, results from an A to G substitution at nucleotide position 6274. The threonine at codon 2092 is replaced by alanine, an amino acid with similar properties. This amino acid position is conserved. In addition, this alteration is predicted to be tolerated by in silico analysis. Since supporting evidence is limited at this time, the clinical significance of this alteration remains unclear.